The following is an entry in ClinVar:

ClinVar aggregate classification (germline): Pathogenic. Review status: criteria provided, multiple submitters, no conflicts (2 of 4 stars). 2 submissions from 2 submitters: Pathogenic (2). Last evaluated 2024-11-05.

Conditions:
Supravalvar aortic stenosis (SVAS). Also called: Supravalvar aortic stenosis, Eisenberg type. Identifiers: Orphanet 3193, MedGen C0003499, MONDO:0008504, OMIM 185500, HP:0004381.

Submissions (2):

Labcorp Genetics (formerly Invitae), Labcorp
Classification: Pathogenic for Supravalvar aortic stenosis. Last evaluated: 2024-11-05. Review status: criteria provided, single submitter. Criteria: Invitae Variant Classification Sherloc (09022015). Collection method: clinical testing. Allele origin: germline.
Comment: This sequence change creates a premature translational stop signal (p.Ser24Leufs*98) in the ELN gene. It is expected to result in an absent or disrupted protein product. Loss-of-function variants in ELN are known to be pathogenic (PMID: 11175284). This variant is not present in population databases (gnomAD no frequency). This variant has not been reported in the literature in individuals affected with ELN-related conditions. ClinVar contains an entry for this variant (Variation ID: 2012256). For these reasons, this variant has been classified as Pathogenic.

Cardiology, Hunan Children’s Hospital
Classification: Pathogenic for Supravalvar aortic stenosis. Review status: criteria provided, single submitter. Criteria: ACMG Guidelines, 2015. Collection method: research. Allele origin: inherited. Inheritance: Autosomal dominant inheritance. Affected: yes.

Literature cited by the submitters: PubMed 11175284 (cited by Labcorp Genetics (formerly Invitae), Labcorp).

NM_000501.4(ELN):c.69del (p.Ser24fs)

Gene: ELN (elastin; plus strand). Cytogenetic location: 7q11.23.
Variant type: Deletion.
Coding change: c.69del on transcript NM_000501.4 (MANE Select); coding-DNA position 69, one base deleted (C; older notation c.69delC).
Protein change: p.Ser24fs; shifts the reading frame from serine 24.
Molecular consequence: frameshift variant.
Genome position (GRCh38, 1-based): chr7:74,028,256, C deleted; the last of 4 consecutive C bases (chr7:74,028,253-74,028,256); deleting any one gives the same sequence. VCF-style (leftmost placement, unchanged base first): chr7-74028252-AC-A. GRCh37 (hg19) VCF-style: chr7-73442582-AC-A.
Other names: c.69delC (NM_001278939.1); c.69del, p.Ser24fs (NM_001081752.3, NM_001081753.3, NM_001081754.3 and 9 more transcripts); short protein forms S24fs.
Identifiers: ClinVar variation 2012256 (VCV002012256.27), dbSNP rs2484445815, ClinGen allele CA2580077336.